The following is an entry in ClinVar:

NM_001267550.2(TTN):c.93860T>C (p.Phe31287Ser)

Genes: TTN-AS1 (TTN antisense RNA 1; plus strand), TTN (titin; minus strand). Cytogenetic location: 2q31.2.
Variant type: single nucleotide variant.
Coding change: c.93860T>C on transcript NM_001267550.2 (MANE Select); coding-DNA position 93860, T replaced by C.
Protein change: p.Phe31287Ser; replaces phenylalanine 31287 with serine.
Molecular consequence: missense variant.
Genome position (GRCh38, 1-based): chr2:178,547,766, A>G on the plus strand (T>C on the coding strand, the complement: TTN is on the minus strand). VCF-style: chr2-178547766-A-G. GRCh37 (hg19) VCF-style: chr2-179412493-A-G.
Other names: c.88937T>C, p.Phe29646Ser (NM_001256850.1); c.66665T>C, p.Phe22222Ser (NM_003319.4); c.86156T>C, p.Phe28719Ser (NM_133378.4); c.67040T>C, p.Phe22347Ser (NM_133432.3); c.67241T>C, p.Phe22414Ser (NM_133437.4); c.93860T>C (NM_001267550.1); short protein forms F22222S, F22347S, F22414S, F28719S, F29646S, F31287S.
Identifiers: ClinVar variation 1202325 (VCV001202325.11), dbSNP rs374887049, ClinGen allele CA1987237.

ClinVar aggregate classification (germline): Conflicting classifications of pathogenicity. Review status: criteria provided, conflicting classifications (1 of 4 stars). 6 submissions from 6 submitters: Uncertain significance (4); Likely benign (2). Last evaluated 2026-06-09.

Conditions:
Cardiovascular phenotype. Identifiers: MedGen CN230736.
TTN-related disorder. Also called: TTN-related disorders; TTN-related condition; TTN-related disease.

Allele frequency attached by ClinVar (database versions not stated): gnomAD exomes 0.00001 and 0.00002; ExAC 0.00002; gnomAD 0.00005 and 0.00009; TOPMed 0.00008; ESP Exome Variant Server 0.00016.
gnomAD v4.1: 17 of 1,613,776 alleles (0.0011%); highest among the groups gnomAD compares: African/African-American, 0.023%; no homozygotes.

Submissions (6):

PreventionGenetics, part of Exact Sciences
Classification: Uncertain significance for TTN-related condition. Last evaluated: 2026-06-09. Review status: criteria provided, single submitter. Criteria: ACMG Guidelines, 2015. Collection method: clinical testing. Allele origin: germline.
Comment: The TTN c.93860T>C variant is predicted to result in the amino acid substitution p.Phe31287Ser. To our knowledge, this variant has not been reported in the literature. This variant is reported in 0.029% of alleles in individuals of African descent in gnomAD. At this time, the clinical significance of this variant is uncertain due to the absence of conclusive functional and genetic evidence.

Athena Diagnostics
Classification: Uncertain significance. Last evaluated: 2023-04-12. Review status: criteria provided, single submitter. Criteria: Athena Diagnostics Criteria. Collection method: clinical testing. Allele origin: unknown.
Comment: Available data are insufficient to determine the clinical significance of the variant at this time. The frequency of this variant in the general population is higher than would generally be expected for pathogenic variants in this gene. Computational tools predict that this variant is not damaging.

Women's Health and Genetics/Laboratory Corporation of America, LabCorp
Classification: Uncertain significance. Last evaluated: 2022-05-02. Review status: criteria provided, single submitter. Criteria: LabCorp Variant Classification Summary - May 2015. Collection method: clinical testing. Allele origin: germline.
Comment: Variant summary: TTN c.86156T>C (p.Phe28719Ser) results in a non-conservative amino acid change in the encoded protein sequence. Three of five in-silico tools predict a benign effect of the variant on protein function. The variant allele was found at a frequency of 2.4e-05 in 248866 control chromosomes. The available data on variant occurrences in the general population are insufficient to allow any conclusion about variant significance. To our knowledge, no occurrence of c.86156T>C in individuals affected with Dilated Cardiomyopathy and no experimental evidence demonstrating its impact on protein function have been reported. One clinical diagnostic laboratory has submitted clinical-significance assessments for this variant to ClinVar after 2014 without evidence for independent evaluation and classified the variant as likely benign. Based on the evidence outlined above, the variant was classified as uncertain significance.

Ambry Genetics
Classification: Likely benign for Cardiovascular phenotype. Last evaluated: 2020-06-24. Review status: criteria provided, single submitter. Criteria: Ambry Variant Classification Scheme 2023. Collection method: clinical testing. Allele origin: germline.

GeneDx
Classification: Likely benign. Last evaluated: 2020-03-04. Review status: criteria provided, single submitter. Criteria: GeneDx Variant Classification Process June 2021. Collection method: clinical testing. Allele origin: germline. Affected: yes.

Revvity Omics, Revvity
Classification: Uncertain significance. Last evaluated: 2019-04-05. Review status: criteria provided, single submitter. Criteria: ACMG Guidelines, 2015. Collection method: clinical testing. Allele origin: germline.